The following is an entry in ClinVar:

NM_001378477.3(NYX):c.1330C>T (p.Arg444Cys)

Gene: NYX (nyctalopin; plus strand). Cytogenetic location: Xp11.4.
Variant type: single nucleotide variant.
Coding change: c.1330C>T on transcript NM_001378477.3 (MANE Select); coding-DNA position 1330, C replaced by T.
Protein change: p.Arg444Cys; replaces arginine 444 with cysteine.
Molecular consequence: missense variant.
Genome position (GRCh38, 1-based): chrX:41,474,798, C>T. VCF-style: chrX-41474798-C-T. GRCh37 (hg19) VCF-style: chrX-41334051-C-T.
Other names: c.1330C>T, p.Arg444Cys (NM_022567.3); short protein forms R444C.
Identifiers: ClinVar variation 2144756 (VCV002144756.4), dbSNP rs776015071, ClinGen allele CA10389945.

ClinVar aggregate classification (germline): Uncertain significance (1 of 4 stars; one submission).

Allele frequency attached by ClinVar (database versions not stated): ExAC 0.00002; gnomAD 0.00002; TOPMed 0.00003.
gnomAD v4.1: 36 of 1,200,541 alleles (0.003%); highest among the groups gnomAD compares: Non-Finnish European, 0.0038%; no homozygotes.

Submission:

Labcorp Genetics (formerly Invitae), Labcorp
Classification: Uncertain significance. Last evaluated: 2025-07-23. Review status: criteria provided, single submitter. Criteria: Invitae Variant Classification Sherloc (09022015). Collection method: clinical testing. Allele origin: germline.
Comment: This sequence change replaces arginine, which is basic and polar, with cysteine, which is neutral and slightly polar, at codon 449 of the NYX protein (p.Arg449Cys). This variant is present in population databases (rs776015071, gnomAD 0.006%). This variant has not been reported in the literature in individuals affected with NYX-related conditions. ClinVar contains an entry for this variant (Variation ID: 2144756). An algorithm developed to predict the effect of missense changes on protein structure and function outputs the following: PolyPhen-2: "Benign". The cysteine amino acid residue is found in multiple mammalian species, which suggests that this missense change does not adversely affect protein function. In summary, the available evidence is currently insufficient to determine the role of this variant in disease. Therefore, it has been classified as a Variant of Uncertain Significance.